The following is an entry in ClinVar:

NM_006019.4(TCIRG1):c.2160_2178del (p.Ile721fs)

Gene: TCIRG1 (T cell immune regulator 1, ATPase H+ transporting V0 subunit a3; plus strand). Cytogenetic location: 11q13.2.
Variant type: Deletion.
Coding change: c.2160_2178del on transcript NM_006019.4 (MANE Select); coding-DNA positions 2160 to 2178, 19 bases deleted (CATCGAGTTCTGCCTGGGC).
Protein change: p.Ile721fs; shifts the reading frame from isoleucine 721.
Molecular consequence: frameshift variant.
Genome position (GRCh38, 1-based): chr11:68,050,178-68,050,196, CATCGAGTTCTGCCTGGGC deleted; deleting any 19 consecutive bases within chr11:68,050,177-68,050,196 gives the same sequence; the c. name uses the placement nearest the transcript's 3' end. VCF-style (leftmost placement, unchanged base first): chr11-68050176-ACCATCGAGTTCTGCCTGGG-A. GRCh37 (hg19) VCF-style: chr11-67817643-ACCATCGAGTTCTGCCTGGG-A.
Other names: c.1266_1284del, p.Ile423fs (NM_001351059.2); c.1512_1530del, p.Ile505fs (NM_006053.4); short protein forms I505fs, I423fs, I721fs.
Identifiers: ClinVar variation 1447247 (VCV001447247.8), dbSNP rs2134464569, ClinGen allele CA2573147513.
Genomic context (GRCh38, chr11:68,050,176, plus strand): 5'-CTCACTGCACCCGCCCCGCAGCTCGTCCCCTCCGAGGTGCTCATGCACCAGGCCATCCAC[ACCATCGAGTTCTGCCTGGG>A]CTGCGTCTCCAACACCGCCTCCTACCTGCGCCTGTGGGCCCTGAGCCTGGCCCACGCCCG-3'

ClinVar aggregate classification (germline): Pathogenic (1 of 4 stars; one submission).

Submission:

Labcorp Genetics (formerly Invitae), Labcorp
Classification: Pathogenic. Last evaluated: 2023-07-07. Review status: criteria provided, single submitter. Criteria: Invitae Variant Classification Sherloc (09022015). Collection method: clinical testing. Allele origin: germline.
Comment: This sequence change creates a premature translational stop signal (p.Ile721Alafs*14) in the TCIRG1 gene. It is expected to result in an absent or disrupted protein product. Loss-of-function variants in TCIRG1 are known to be pathogenic (PMID: 10888887, 10942435, 11532986, 19448635). For these reasons, this variant has been classified as Pathogenic. Algorithms developed to predict the effect of sequence changes on RNA splicing suggest that this variant may disrupt the consensus splice site. ClinVar contains an entry for this variant (Variation ID: 1447247). This premature translational stop signal has been observed in individual(s) with infantile malignant osteopetrosis (PMID: 29723947). This variant is not present in population databases (gnomAD no frequency).

Literature cited by the submitters: PubMed 10888887; PubMed 10942435; PubMed 11532986; PubMed 19448635; PubMed 29723947.